The following is an entry in ClinVar:

ClinVar aggregate classification (germline): Pathogenic (1 of 4 stars; one submission).

Conditions:
Hydrocephalus, nonsyndromic, autosomal recessive 1 (HYC1). Also called: Hydrocephalus, nonsyndromic, autosomal recessive; Congenital hydrocephalus 1. Identifiers: Orphanet 2185, MedGen C3887608, MONDO:0009360, OMIM 236600.

Submission:

Myriad Genetics, Inc.
Classification: Pathogenic for Hydrocephalus, nonsyndromic, autosomal recessive 1. Last evaluated: 2026-07-27. Review status: criteria provided, single submitter. Criteria: Myriad Autosomal Dominant, Autosomal Recessive and X-Linked Classification Criteria (2023). Collection method: clinical testing. Allele origin: unknown.
Comment: NM_001080414.3(CCDC88C):c.1506_1509dupGAAC(H504Efs*9) is expected to be pathogenic in the context of congenital hydrocephalus, CCDC88C-related. This variant is predicted to lead to an abnormal or absent protein product due to the creation of a premature termination codon in CCDC88C, a gene where loss-of-function variants are known to be pathogenic. Please note: this variant was assessed in the context of healthy population screening.

NM_001080414.4(CCDC88C):c.1506_1509dup (p.His504fs)

Gene: CCDC88C (coiled-coil and HOOK domain protein 88C; minus strand). Cytogenetic location: 14q32.11.
Variant type: Duplication.
Coding change: c.1506_1509dup on transcript NM_001080414.4 (MANE Select); coding-DNA positions 1506 to 1509, 4 bases duplicated (GAAC; older notation c.1506_1509dupGAAC).
Protein change: p.His504fs; shifts the reading frame from histidine 504.
Molecular consequence: frameshift variant. On other transcripts: non-coding transcript variant (2).
Genome position (GRCh38, 1-based): chr14:91,321,138-91,321,141, GTTC duplicated on the plus strand (GAAC on the coding strand, the reverse complement: CCDC88C is on the minus strand). VCF-style (leftmost placement, unchanged base first): chr14-91321137-G-GGTTC. GRCh37 (hg19) VCF-style: chr14-91787481-G-GGTTC.
Other names: short protein forms H504fs.
Identifiers: ClinVar variation 5016162 (VCV005016162.1).
Genomic context (GRCh38, chr14:91,321,137, plus strand): 5'-AAGGGTTCTGTGCTTCCCCGGTGGCCTAAGGAGGCCGAGGTACCTTCTTGCTGAGCTGGT[G>GGTTC]GTTCTCCTTCTCCAGCTCCCCGCACTTGAGGCCGCTCTCCTCCAACACCAGGGACGCGTC-3'